The following is an entry in ClinVar:

ClinVar aggregate classification (germline): Uncertain significance (1 of 4 stars; one submission).

Conditions:
CUBN-related disorder. Also called: CUBN-related condition.

gnomAD v4.1: 5 of 1,614,024 alleles (0.00031%); highest among the groups gnomAD compares: African/African-American, 0.0027%; no homozygotes.

Submission:

PreventionGenetics, part of Exact Sciences
Classification: Uncertain significance for CUBN-related condition. Last evaluated: 2026-01-06. Review status: criteria provided, single submitter. Criteria: ACMG Guidelines, 2015. Collection method: clinical testing. Allele origin: germline.
Comment: The CUBN c.8246T>C variant is predicted to result in the amino acid substitution p.Val2749Ala. To our knowledge, this variant has not been reported in the literature. This variant is reported in 0.011% of alleles in individuals of African descent in gnomAD. At this time, the clinical significance of this variant is uncertain due to the absence of conclusive functional and genetic evidence.

NM_001081.4(CUBN):c.8246T>C (p.Val2749Ala)

Gene: CUBN (cubilin; minus strand). Cytogenetic location: 10p13.
Variant type: single nucleotide variant.
Coding change: c.8246T>C on transcript NM_001081.4 (MANE Select); coding-DNA position 8246, T replaced by C.
Protein change: p.Val2749Ala; replaces valine 2749 with alanine.
Molecular consequence: missense variant.
Genome position (GRCh38, 1-based): chr10:16,900,789, A>G on the plus strand (T>C on the coding strand, the complement: CUBN is on the minus strand). VCF-style: chr10-16900789-A-G. GRCh37 (hg19) VCF-style: chr10-16942788-A-G.
Other names: short protein forms V2749A.
Identifiers: ClinVar variation 4986970 (VCV004986970.1).